The following is an entry in ClinVar:

NM_000138.5(FBN1):c.3644C>T (p.Ser1215Phe)

Gene: FBN1 (fibrillin 1; minus strand). Cytogenetic location: 15q21.1.
Variant type: single nucleotide variant.
Coding change: c.3644C>T on transcript NM_000138.5 (MANE Select); coding-DNA position 3644, C replaced by T.
Protein change: p.Ser1215Phe; replaces serine 1215 with phenylalanine.
Molecular consequence: missense variant.
Genome position (GRCh38, 1-based): chr15:48,485,442, G>A on the plus strand (C>T on the coding strand, the complement: FBN1 is on the minus strand). VCF-style: chr15-48485442-G-A. GRCh37 (hg19) VCF-style: chr15-48777639-G-A.
Other names: c.3644C>T, p.Ser1215Phe (NM_001406716.1); short protein forms S1215F.
Identifiers: ClinVar variation 2922624 (VCV002922624.4), dbSNP rs2505544988, ClinGen allele CA392324505.

ClinVar aggregate classification (germline): Uncertain significance. Review status: criteria provided, multiple submitters, no conflicts (2 of 4 stars). 2 submissions from 2 submitters: Uncertain significance (2). Last evaluated 2025-12-29.

Conditions:
Familial thoracic aortic aneurysm and aortic dissection (TAAD). Also called: Thoracic aortic aneurysms and dissections. Identifiers: Orphanet 91387, MedGen C4707243, MONDO:0019625.
Marfan syndrome (MFS). Also called: MARFAN SYNDROME, TYPE I; Marfan syndrome type 1; Marfan's syndrome; Marfan syndrome, classic; FBN1-Related Marfan Syndrome. Identifiers: Orphanet 284963, Orphanet 558, MedGen C0024796, MONDO:0007947, OMIM 154700.

Submissions (2):

Ambry Genetics
Classification: Uncertain significance for Familial thoracic aortic aneurysm and aortic dissection. Last evaluated: 2025-12-29. Review status: criteria provided, single submitter. Criteria: Ambry Variant Classification Scheme 2023. Collection method: clinical testing. Allele origin: germline.

Labcorp Genetics (formerly Invitae), Labcorp
Classification: Uncertain significance for Marfan syndrome; Familial thoracic aortic aneurysm and aortic dissection. Last evaluated: 2024-01-29. Review status: criteria provided, single submitter. Criteria: Invitae Variant Classification Sherloc (09022015). Collection method: clinical testing. Allele origin: germline.
Comment: This sequence change replaces serine, which is neutral and polar, with phenylalanine, which is neutral and non-polar, at codon 1215 of the FBN1 protein (p.Ser1215Phe). This variant is not present in population databases (gnomAD no frequency). This variant has not been reported in the literature in individuals affected with FBN1-related conditions. Advanced modeling of protein sequence and biophysical properties (such as structural, functional, and spatial information, amino acid conservation, physicochemical variation, residue mobility, and thermodynamic stability) performed at Invitae indicates that this missense variant is expected to disrupt FBN1 protein function with a positive predictive value of 95%. In summary, the available evidence is currently insufficient to determine the role of this variant in disease. Therefore, it has been classified as a Variant of Uncertain Significance.